The following is an entry in ClinVar:

ClinVar aggregate classification (germline): Uncertain significance. Review status: criteria provided, multiple submitters, no conflicts (2 of 4 stars). 2 submissions from 2 submitters: Uncertain significance (2). Last evaluated 2026-07-25.

Conditions:
Marfan syndrome (MFS). Also called: MARFAN SYNDROME, TYPE I; Marfan syndrome type 1; Marfan's syndrome; FBN1-Related Marfan Syndrome; Marfan syndrome, classic. Identifiers: Orphanet 284963, Orphanet 558, MedGen C0024796, MONDO:0007947, OMIM 154700.

Submissions (2):

GeneDx
Classification: Uncertain significance. Last evaluated: 2026-07-25. Review status: criteria provided, single submitter. Criteria: GeneDx Variant Classification Process June 2021. Collection method: clinical testing. Allele origin: germline.
Comment: Not observed at significant frequency in large population cohorts (gnomAD); In silico analysis supports that this missense variant has a deleterious effect on protein structure/function; Has not been previously published as pathogenic or benign to our knowledge; Does not affect a cysteine or calcium-binding residue within an EGF-like domain or a TGF-binding protein domain of the FBN1 gene; cysteine substitutions in the EGF-like domains represent the majority of pathogenic missense changes associated with FBN1-related disorders (PMID: 12938084); This variant is associated with the following publications: (PMID: 12938084)

All of Us Research Program, National Institutes of Health
Classification: Uncertain significance for Marfan syndrome. Last evaluated: 2024-04-16. Review status: criteria provided, single submitter. Criteria: ACMG Guidelines, 2015. Collection method: clinical testing. Allele origin: germline. Inheritance: Autosomal dominant inheritance. Observed: 1 variant allele, 1 heterozygote.
Comment: This missense variant replaces proline with leucine at codon 2373 of the FBN1 protein. Computational prediction suggests that this variant may not impact protein structure and function (internally defined REVEL score threshold <= 0.5, PMID: 27666373). To our knowledge, functional studies have not been reported for this variant. This variant has not been reported in individuals affected with FBN1-related disorders in the literature. This variant has not been identified in the general population by the Genome Aggregation Database (gnomAD). The available evidence is insufficient to determine the role of this variant in disease conclusively. Therefore, this variant is classified as a Variant of Uncertain Significance.

This study involves interpretation of variants in research participants for the purpose of population health screening. Participant phenotype was not available at the time of variant classification. Additional details can be found in publication PMID: 35346344, PMCID: PMC8962531

NM_000138.5(FBN1):c.7118C>T (p.Pro2373Leu)

Gene: FBN1 (fibrillin 1; minus strand). Cytogenetic location: 15q21.1.
Variant type: single nucleotide variant.
Coding change: c.7118C>T on transcript NM_000138.5 (MANE Select); coding-DNA position 7118, C replaced by T.
Protein change: p.Pro2373Leu; replaces proline 2373 with leucine.
Molecular consequence: missense variant.
Genome position (GRCh38, 1-based): chr15:48,427,653, G>A on the plus strand (C>T on the coding strand, the complement: FBN1 is on the minus strand). VCF-style: chr15-48427653-G-A. GRCh37 (hg19) VCF-style: chr15-48719850-G-A.
Other names: c.7118C>T, p.Pro2373Leu (NM_001406716.1); short protein forms P2373L.
Identifiers: ClinVar variation 3386761 (VCV003386761.3).